The following is an entry in ClinVar:

NM_182914.3(SYNE2):c.14229G>T (p.Leu4743Phe)

Gene: SYNE2 (spectrin repeat containing nuclear envelope protein 2; plus strand). Cytogenetic location: 14q23.2.
Variant type: single nucleotide variant.
Coding change: c.14229G>T on transcript NM_182914.3 (MANE Select); coding-DNA position 14229, G replaced by T.
Protein change: p.Leu4743Phe; replaces leucine 4743 with phenylalanine.
Molecular consequence: missense variant.
Genome position (GRCh38, 1-based): chr14:64,130,137, G>T. VCF-style: chr14-64130137-G-T. GRCh37 (hg19) VCF-style: chr14-64596855-G-T.
Other names: c.14229G>T, p.Leu4743Phe (NM_015180.6); short protein forms L4743F.
Identifiers: ClinVar variation 648200 (VCV000648200.8), dbSNP rs772739903, ClinGen allele CA7222724.

ClinVar aggregate classification (germline): Uncertain significance (1 of 4 stars; one submission).

Conditions:
Emery-Dreifuss muscular dystrophy 5, autosomal dominant (EDMD5). Also called: EMERY-DREIFUSS MUSCULAR DYSTROPHY 5. Identifiers: Orphanet 261, MedGen C2751805, MONDO:0013072, OMIM 612999.

Allele frequency attached by ClinVar (database versions not stated): ExAC 0.00002; gnomAD exomes 0.00002.
gnomAD v4.1: 5 of 1,614,162 alleles (0.00031%); highest among the groups gnomAD compares: Admixed American, 0.0067%; no homozygotes.

Submission:

Labcorp Genetics (formerly Invitae), Labcorp
Classification: Uncertain significance for Emery-Dreifuss muscular dystrophy 5, autosomal dominant. Last evaluated: 2022-07-15. Review status: criteria provided, single submitter. Criteria: Invitae Variant Classification Sherloc (09022015). Collection method: clinical testing. Allele origin: germline.
Comment: This variant is present in population databases (rs772739903, gnomAD 0.009%). This variant has not been reported in the literature in individuals affected with SYNE2-related conditions. ClinVar contains an entry for this variant (Variation ID: 648200). Algorithms developed to predict the effect of missense changes on protein structure and function are either unavailable or do not agree on the potential impact of this missense change (SIFT: "Deleterious"; PolyPhen-2: "Probably Damaging"; Align-GVGD: "Class C0"). In summary, the available evidence is currently insufficient to determine the role of this variant in disease. Therefore, it has been classified as a Variant of Uncertain Significance. This sequence change replaces leucine, which is neutral and non-polar, with phenylalanine, which is neutral and non-polar, at codon 4743 of the SYNE2 protein (p.Leu4743Phe).